The following is an entry in ClinVar:

ClinVar aggregate classification (germline): Pathogenic (1 of 4 stars; one submission).

Conditions:
Fanconi anemia (FA). Also called: Fanconi's anemia. Identifiers: Orphanet 84, MedGen C0015625, MeSH D005199, MONDO:0019391.

Submission:

Labcorp Genetics (formerly Invitae), Labcorp
Classification: Pathogenic for Fanconi anemia. Last evaluated: 2021-10-24. Review status: criteria provided, single submitter. Criteria: Invitae Variant Classification Sherloc (09022015). Collection method: clinical testing. Allele origin: germline.
Comment: This variant is a gross deletion of the genomic region encompassing exons 1-10 of the FANCA gene, which includes the initiator codon. The 5' end of this event is unknown as it extends beyond the assayed region for this gene and therefore may encompass additional genes. The 3' boundary is likely confined to intron 10 of the FANCA gene. This is expected to result in an absent or disrupted protein product. This variant has not been reported in the literature in individuals with FANCA-related conditions. Loss-of-function variants in FANCA are known to be pathogenic (PMID: 19367192). For these reasons, this variant has been classified as Pathogenic.

Literature cited by the submitters: PubMed 19367192.

NC_000016.9:g.(?_89864654)_(89883024_?)del

Gene: FANCA (FA complementation group A; minus strand). Cytogenetic location: 16q24.3.
Variant type: Deletion.
Identifiers: ClinVar variation 2422431 (VCV002422431.3).